The following is an entry in ClinVar:

NM_001267550.2(TTN):c.93599C>T (p.Ala31200Val)

Genes: TTN (titin; minus strand), TTN-AS1 (TTN antisense RNA 1; plus strand). Cytogenetic location: 2q31.2.
Variant type: single nucleotide variant.
Coding change: c.93599C>T on transcript NM_001267550.2 (MANE Select); coding-DNA position 93599, C replaced by T.
Protein change: p.Ala31200Val; replaces alanine 31200 with valine.
Molecular consequence: missense variant.
Genome position (GRCh38, 1-based): chr2:178,548,027, G>A on the plus strand (C>T on the coding strand, the complement: TTN is on the minus strand). VCF-style: chr2-178548027-G-A. GRCh37 (hg19) VCF-style: chr2-179412754-G-A.
Other names: c.88676C>T, p.Ala29559Val (NM_001256850.1); c.66404C>T, p.Ala22135Val (NM_003319.4); c.85895C>T, p.Ala28632Val (NM_133378.4); c.66779C>T, p.Ala22260Val (NM_133432.3); c.66980C>T, p.Ala22327Val (NM_133437.4); short protein forms A22135V, A22260V, A22327V, A28632V, A29559V, A31200V.
Identifiers: ClinVar variation 4537518 (VCV004537518.1).

ClinVar aggregate classification (germline): Uncertain significance (1 of 4 stars; one submission).

Submission:

GeneDx
Classification: Uncertain significance. Last evaluated: 2025-06-10. Review status: criteria provided, single submitter. Criteria: GeneDx Variant Classification Process June 2021. Collection method: clinical testing. Allele origin: germline. Affected: yes.
Comment: Not observed at significant frequency in large population cohorts (gnomAD); Missense variant in a gene in which most reported pathogenic variants are truncating/loss of function; Has not been previously published as pathogenic or benign to our knowledge